The following is an entry in ClinVar:

ClinVar aggregate classification (germline): Uncertain significance. Review status: criteria provided, multiple submitters, no conflicts (2 of 4 stars). 3 submissions from 3 submitters: Uncertain significance (3). Last evaluated 2025-07-15.

Conditions:
Retinitis pigmentosa (RP). Identifiers: Orphanet 791, MedGen C0035334, MeSH D012174, MONDO:0019200, OMIM 268000. Inheritance: Autosomal dominant, autosomal recessive and X linked inheritance.

Allele frequency attached by ClinVar (database versions not stated): gnomAD 0.00003; gnomAD exomes 0.00004; TOPMed 0.00004; ExAC 0.00006; ESP Exome Variant Server 0.00008.
gnomAD v4.1: 70 of 1,613,998 alleles (0.0043%); highest among the groups gnomAD compares: Admixed American, 0.0067%; no homozygotes.

Submissions (3):

Labcorp Genetics (formerly Invitae), Labcorp
Classification: Uncertain significance. Last evaluated: 2025-07-15. Review status: criteria provided, single submitter. Criteria: Invitae Variant Classification Sherloc (09022015). Collection method: clinical testing. Allele origin: germline.
Comment: This sequence change replaces alanine, which is neutral and non-polar, with threonine, which is neutral and polar, at codon 234 of the RGR protein (p.Ala234Thr). This variant is present in population databases (rs377043137, gnomAD 0.008%). This missense change has been observed in individual(s) with clinical features of retinitis pigmentosa (PMID: 10581022). ClinVar contains an entry for this variant (Variation ID: 802598). Experimental studies and prediction algorithms are not available or were not evaluated, and the functional significance of this variant is currently unknown. In summary, the available evidence is currently insufficient to determine the role of this variant in disease. Therefore, it has been classified as a Variant of Uncertain Significance.

Blueprint Genetics
Classification: Uncertain significance. Last evaluated: 2024-11-15. Review status: criteria provided, single submitter. Criteria: ACMG Guidelines, 2015. Collection method: clinical testing. Allele origin: germline.

Mendelics
Classification: Uncertain significance for Retinitis pigmentosa. Last evaluated: 2019-05-28. Review status: criteria provided, single submitter. Criteria: Mendelics Assertion Criteria 2017. Collection method: clinical testing. Allele origin: unknown.

Literature cited by the submitters: PubMed 10581022 (cited by Labcorp Genetics (formerly Invitae), Labcorp).

NM_001012720.2(RGR):c.700G>A (p.Ala234Thr)

Gene: RGR (retinal G protein coupled receptor; plus strand). Cytogenetic location: 10q23.1.
Variant type: single nucleotide variant.
Coding change: c.700G>A on transcript NM_001012720.2 (MANE Select); coding-DNA position 700, G replaced by A.
Protein change: p.Ala234Thr; replaces alanine 234 with threonine.
Molecular consequence: missense variant. On other transcripts: intron variant (1).
Genome position (GRCh38, 1-based): chr10:84,257,962, G>A. VCF-style: chr10-84257962-G-A. GRCh37 (hg19) VCF-style: chr10-86017718-G-A.
Other names: c.712G>A, p.Ala238Thr (NM_002921.4); c.631-546G>A (NM_001012722.2); short protein forms A238T, A234T.
Identifiers: ClinVar variation 802598 (VCV000802598.8), dbSNP rs377043137, ClinGen allele CA5581546.